The following is an entry in ClinVar:

NM_030962.4(SBF2):c.170C>A (p.Ser57Tyr)

Gene: SBF2 (SET binding factor 2; minus strand). Cytogenetic location: 11p15.4.
Variant type: single nucleotide variant.
Coding change: c.170C>A on transcript NM_030962.4 (MANE Select); coding-DNA position 170, C replaced by A.
Protein change: p.Ser57Tyr; replaces serine 57 with tyrosine.
Molecular consequence: missense variant.
Genome position (GRCh38, 1-based): chr11:10,042,953, G>T on the plus strand (C>A on the coding strand, the complement: SBF2 is on the minus strand). VCF-style: chr11-10042953-G-T. GRCh37 (hg19) VCF-style: chr11-10064500-G-T.
Other names: p.Ser57Tyr; c.170C>A, p.Ser57Tyr (NM_001386339.1, NM_001386342.1); c.206C>A, p.Ser69Tyr (NM_001424318.1, NM_001425069.1, NM_001425070.1); short protein forms S57Y, S69Y.
Identifiers: ClinVar variation 4541607 (VCV004541607.1).

ClinVar aggregate classification (germline): Uncertain significance (1 of 4 stars; one submission).

Submission:

Mayo Clinic Laboratories, Mayo Clinic
Classification: Uncertain significance. Last evaluated: 2024-11-20. Review status: criteria provided, single submitter. Criteria: ACMG Guidelines, 2015. Collection method: clinical testing. Allele origin: germline. Observed: 1 variant allele.
Comment: BP4